The following is an entry in ClinVar:

NC_000016.9:g.(?_88880847)_(88880953_?)del

Gene: GALNS (galactosamine (N-acetyl)-6-sulfatase; minus strand). Cytogenetic location: 16q24.3.
Variant type: Deletion.
Identifiers: ClinVar variation 3243314 (VCV003243314.1).

ClinVar aggregate classification (germline): Pathogenic (1 of 4 stars; one submission).

Conditions:
Mucopolysaccharidosis, MPS-IV-A (MPS4A). Also called: Morquio syndrome A, mild; MORQUIO SYNDROME A; GALACTOSAMINE-6-SULFATASE DEFICIENCY; GALNS DEFICIENCY; MORQUIO A DISEASE; Mucopolysaccharidosis type IV A. Identifiers: Orphanet 309297, Orphanet 582, MedGen C0086651, MONDO:0009659, OMIM 253000.

Submission:

Labcorp Genetics (formerly Invitae), Labcorp
Classification: Pathogenic for Mucopolysaccharidosis, MPS-IV-A. Last evaluated: 2023-10-22. Review status: criteria provided, single submitter. Criteria: Invitae Variant Classification Sherloc (09022015). Collection method: clinical testing. Allele origin: unknown.
Comment: This variant is a gross deletion of the genomic region encompassing exon(s) 14 of the GALNS gene, which includes the termination codon. This deletion extends beyond the assayed region for this gene and therefore may encompass additional genes. While this deletion is not anticipated to lead to nonsense mediated decay, it is expected to alter mRNA translation or result in a truncated protein product. This variant has not been reported in the literature in individuals affected with GALNS-related conditions. This variant disrupts a region of the GALNS protein in which other variant(s) (p.Trp496Ser) have been determined to be pathogenic (Invitae). This suggests that this is a clinically significant region of the protein, and that variants that disrupt it are likely to be disease-causing. For these reasons, this variant has been classified as Pathogenic.